The following is an entry in ClinVar:

ClinVar aggregate classification (germline): Uncertain significance. Review status: criteria provided, multiple submitters, no conflicts (2 of 4 stars). 2 submissions from 2 submitters: Uncertain significance (2). Last evaluated 2025-02-12.

Allele frequency attached by ClinVar (database versions not stated): gnomAD 0.00001; gnomAD exomes 0.00001; TOPMed 0.00001; ExAC 0.00003.
gnomAD v4.1: 11 of 1,203,563 alleles (0.00091%); highest among the groups gnomAD compares: Admixed American, 0.024%; no homozygotes.

Submissions (2):

Ambry Genetics
Classification: Uncertain significance. Last evaluated: 2025-02-12. Review status: criteria provided, single submitter. Criteria: Ambry Variant Classification Scheme 2023. Collection method: clinical testing. Allele origin: germline.

Labcorp Genetics (formerly Invitae), Labcorp
Classification: Uncertain significance. Last evaluated: 2023-04-25. Review status: criteria provided, single submitter. Criteria: Invitae Variant Classification Sherloc (09022015). Collection method: clinical testing. Allele origin: germline.
Comment: This variant is present in population databases (rs768987957, gnomAD 0.04%), and has an allele count higher than expected for a pathogenic variant. This variant has not been reported in the literature in individuals affected with DRP2-related conditions. An algorithm developed to predict the effect of missense changes on protein structure and function (PolyPhen-2) suggests that this variant is likely to be tolerated. In summary, the available evidence is currently insufficient to determine the role of this variant in disease. Therefore, it has been classified as a Variant of Uncertain Significance. This sequence change replaces proline, which is neutral and non-polar, with leucine, which is neutral and non-polar, at codon 36 of the DRP2 protein (p.Pro36Leu).

NM_001939.3(DRP2):c.107C>T (p.Pro36Leu)

Gene: DRP2 (dystrophin related protein 2; plus strand). Cytogenetic location: Xq22.1.
Variant type: single nucleotide variant.
Coding change: c.107C>T on transcript NM_001939.3 (MANE Select); coding-DNA position 107, C replaced by T.
Protein change: p.Pro36Leu; replaces proline 36 with leucine.
Molecular consequence: missense variant. On other transcripts: intron variant (1).
Genome position (GRCh38, 1-based): chrX:101,231,754, C>T. VCF-style: chrX-101231754-C-T. GRCh37 (hg19) VCF-style: chrX-100486743-C-T.
Other names: c.-117-4106C>T (NM_001171184.2); c.107C>T (NM_001939.2); short protein forms P36L.
Identifiers: ClinVar variation 3002210 (VCV003002210.4), dbSNP rs768987957, ClinGen allele CA10471995.